The following is an entry in ClinVar:

NM_005560.6(LAMA5):c.3538G>T (p.Ala1180Ser)

Gene: LAMA5 (laminin subunit alpha 5; minus strand). Cytogenetic location: 20q13.33.
Variant type: single nucleotide variant.
Coding change: c.3538G>T on transcript NM_005560.6 (MANE Select); coding-DNA position 3538, G replaced by T.
Protein change: p.Ala1180Ser; replaces alanine 1180 with serine.
Molecular consequence: missense variant.
Genome position (GRCh38, 1-based): chr20:62,332,386, C>A on the plus strand (G>T on the coding strand, the complement: LAMA5 is on the minus strand). VCF-style: chr20-62332386-C-A. GRCh37 (hg19) VCF-style: chr20-60907442-C-A.
Other names: short protein forms A1180S.
Identifiers: ClinVar variation 781502 (VCV000781502.15), dbSNP rs77177699, ClinGen allele CA9942967.

ClinVar aggregate classification (germline): Benign/Likely benign. Review status: criteria provided, multiple submitters, no conflicts (2 of 4 stars). 3 submissions from 3 submitters: Benign (2); Likely benign (1). Last evaluated 2026-02-01.

Allele frequency attached by ClinVar (database versions not stated): ExAC 0.00123; gnomAD 0.00362 and 0.00381; TOPMed 0.00399; ESP Exome Variant Server 0.00431; 1000 Genomes Project 0.00619; 1000 Genomes Project 30x 0.00687.
gnomAD v4.1: 1,009 of 1,611,974 alleles (0.063%); highest among the groups gnomAD compares: African/African-American, 1.2%; 8 homozygotes.

Submissions (3):

Labcorp Genetics (formerly Invitae), Labcorp
Classification: Benign. Last evaluated: 2026-02-01. Review status: criteria provided, single submitter. Criteria: Invitae Variant Classification Sherloc (09022015). Collection method: clinical testing. Allele origin: germline.

CeGaT Center for Human Genetics Tuebingen
Classification: Likely benign. Last evaluated: 2026-01-01. Review status: criteria provided, single submitter. Criteria: CeGaT Center For Human Genetics Tuebingen Variant Classification Criteria Version 2. Collection method: clinical testing. Allele origin: germline. Affected: yes. Observed: 1 variant allele.
Comment: LAMA5: BS1

Breakthrough Genomics
Classification: Benign. Review status: criteria provided, single submitter. Criteria: ACMG Guidelines, 2015. Collection method: not provided. Allele origin: germline. Inheritance: Autosomal recessive inheritance. Affected: yes.